The following is an entry in ClinVar:

NM_024301.5(FKRP):c.427C>T (p.Arg143Cys)

Gene: FKRP (fukutin related protein; plus strand). Cytogenetic location: 19q13.32.
Variant type: single nucleotide variant.
Coding change: c.427C>T on transcript NM_024301.5 (MANE Select); coding-DNA position 427, C replaced by T.
Protein change: p.Arg143Cys; replaces arginine 143 with cysteine.
Molecular consequence: missense variant.
Genome position (GRCh38, 1-based): chr19:46,755,877, C>T. VCF-style: chr19-46755877-C-T. GRCh37 (hg19) VCF-style: chr19-47259134-C-T.
Other names: c.427C>T, p.Arg143Cys (NM_001039885.3); short protein forms R143C.
Identifiers: ClinVar variation 946900 (VCV000946900.7), dbSNP rs148206382, ClinGen allele CA406495303.
Genomic context (GRCh38, chr19:46,755,877, plus strand): 5'-ACCGAGTTTGTGGCCCTAGTACCTGATGGGGCGCGGGCTGAGGCACCTGGCCTGCTGGAG[C>T]GCATGGTGGAGGCGCTCCGCGCAGGAAGCGCACGTCTGGTGGCCGCCCCGGTTGCCACGG-3'
Protein context (NP_077277.1, residues 133-153): ARAEAPGLLE[Arg143Cys]MVEALRAGSA

ClinVar aggregate classification (germline): Uncertain significance (1 of 4 stars; one submission).

Conditions:
Walker-Warburg congenital muscular dystrophy. Also called: Muscular dystrophy-dystroglycanopathy, type A; Walker-Warburg syndrome. Identifiers: Orphanet 899, MedGen C0265221, MONDO:0000171.

Submission:

Labcorp Genetics (formerly Invitae), Labcorp
Classification: Uncertain significance for Walker-Warburg congenital muscular dystrophy. Last evaluated: 2021-08-24. Review status: criteria provided, single submitter. Criteria: Invitae Variant Classification Sherloc (09022015). Collection method: clinical testing. Allele origin: germline.
Comment: This sequence change replaces arginine with cysteine at codon 143 of the FKRP protein (p.Arg143Cys). The arginine residue is moderately conserved and there is a large physicochemical difference between arginine and cysteine. The frequency data for this variant in the population databases is considered unreliable, as metrics indicate insufficient coverage at this position in the ExAC database. This variant has not been reported in the literature in individuals affected with FKRP-related conditions. Algorithms developed to predict the effect of missense changes on protein structure and function are either unavailable or do not agree on the potential impact of this missense change (SIFT: "Deleterious"; PolyPhen-2: "Possibly Damaging"; Align-GVGD: "Class C0"). In summary, the available evidence is currently insufficient to determine the role of this variant in disease. Therefore, it has been classified as a Variant of Uncertain Significance.